The following is an entry in ClinVar:

ClinVar aggregate classification (germline): Uncertain significance. Review status: criteria provided, multiple submitters, no conflicts (2 of 4 stars). 2 submissions from 2 submitters: Uncertain significance (2). Last evaluated 2025-07-16.

Conditions:
Inborn genetic diseases. Identifiers: MedGen C0950123, MeSH D030342.

gnomAD v4.1: 9 of 1,311,610 alleles (0.00069%); highest among the groups gnomAD compares: Non-Finnish European, 0.00088%; no homozygotes.

Submissions (2):

Ambry Genetics
Classification: Uncertain significance for Inborn genetic diseases. Last evaluated: 2025-07-16. Review status: criteria provided, single submitter. Criteria: Ambry Variant Classification Scheme 2023. Collection method: clinical testing. Allele origin: germline.

GeneDx
Classification: Uncertain significance. Last evaluated: 2024-12-09. Review status: criteria provided, single submitter. Criteria: GeneDx Variant Classification Process June 2021. Collection method: clinical testing. Allele origin: germline. Affected: yes.
Comment: Not observed at significant frequency in large population cohorts (gnomAD); In silico analysis indicates that this missense variant does not alter protein structure/function; Has not been previously published as pathogenic or benign to our knowledge

NM_020312.4(COQ9):c.25G>T (p.Ala9Ser)

Genes: COQ9 (coenzyme Q9; plus strand), LOC112469007 (Sharpr-MPRA regulatory region 5957; plus strand). Cytogenetic location: 16q21.
Variant type: single nucleotide variant.
Coding change: c.25G>T on transcript NM_020312.4 (MANE Select); coding-DNA position 25, G replaced by T.
Protein change: p.Ala9Ser; replaces alanine 9 with serine.
Molecular consequence: missense variant.
Genome position (GRCh38, 1-based): chr16:57,447,530, G>T. VCF-style: chr16-57447530-G-T. GRCh37 (hg19) VCF-style: chr16-57481442-G-T.
Other names: c.25G>T (NM_020312.3); short protein forms A9S.
Identifiers: ClinVar variation 3901803 (VCV003901803.2).